The following is an entry in ClinVar:

NM_138694.4(PKHD1):c.7734-1G>A

Gene: PKHD1 (PKHD1 ciliary IPT domain containing fibrocystin/polyductin; minus strand). Cytogenetic location: 6p12.2.
Variant type: single nucleotide variant.
Coding change: c.7734-1G>A on transcript NM_138694.4 (MANE Select); the canonical splice acceptor site of the intron before coding-DNA position 7734, G replaced by A.
Molecular consequence: splice acceptor variant.
Genome position (GRCh38, 1-based): chr6:51,856,071, C>T on the plus strand (G>A on the coding strand, the complement: PKHD1 is on the minus strand). VCF-style: chr6-51856071-C-T. GRCh37 (hg19) VCF-style: chr6-51720869-C-T.
Other names: c.7734-1G>A (NM_170724.3).
Identifiers: ClinVar variation 5004519 (VCV005004519.1).

ClinVar aggregate classification (germline): Likely pathogenic (1 of 4 stars; one submission).

Conditions:
Polycystic kidney disease 4 (PKD4). Also called: PKD3; POLYCYSTIC KIDNEY AND HEPATIC DISEASE 1; POLYCYSTIC KIDNEY DISEASE, INFANTILE, TYPE I; POLYCYSTIC KIDNEY DISEASE 4 WITH OR WITHOUT POLYCYSTIC LIVER DISEASE; Autosomal Recessive Polycystic Kidney Disease – PKHD1. Identifiers: MedGen C4540575, MONDO:0033004, OMIM 263200.

Submission:

Myriad Genetics, Inc.
Classification: Likely pathogenic for Polycystic kidney disease 4. Last evaluated: 2026-03-09. Review status: criteria provided, single submitter. Criteria: Myriad Autosomal Dominant, Autosomal Recessive and X-Linked Classification Criteria (2023). Collection method: clinical testing. Allele origin: unknown.
Comment: NM_138694.3(PKHD1):c.7734-1G>A is a variant in a canonical splice site classified as likely pathogenic in the context of autosomal recessive polycystic kidney disease, PKHD1-related. c.7734-1G>A has not been observed in cases with relevant disease. Relevant functional assessments of this variant are not available in the literature. c.7734-1G>A has not been observed in referenced population frequency databases. In summary, NM_138694.3(PKHD1):c.7734-1G>A is a variant in a canonical splice site in a gene where loss of function is a known mechanism of disease and is predicted to disrupt protein function. Please note: this variant was assessed in the context of healthy population screening.